The following is an entry in ClinVar:

ClinVar aggregate classification (germline): Uncertain significance. Review status: criteria provided, multiple submitters, no conflicts (2 of 4 stars). 2 submissions from 2 submitters: Uncertain significance (2). Last evaluated 2025-04-21.

Submissions (2):

GeneDx
Classification: Uncertain significance. Last evaluated: 2025-04-21. Review status: criteria provided, single submitter. Criteria: GeneDx Variant Classification Process June 2021. Collection method: clinical testing. Allele origin: germline. Affected: yes.
Comment: Not observed at significant frequency in large population cohorts (gnomAD); In silico analysis supports that this missense variant has a deleterious effect on protein structure/function; Has not been previously published as pathogenic or benign to our knowledge; This variant is associated with the following publications: (PMID: 21520338, 31554319, 9590290)

Blueprint Genetics
Classification: Uncertain significance. Last evaluated: 2019-01-17. Review status: criteria provided, single submitter. Criteria: ACMG Guidelines, 2015. Collection method: clinical testing. Allele origin: germline.

NM_005422.4(TECTA):c.2029T>C (p.Cys677Arg)

Genes: TBCEL-TECTA (TBCEL-TECTA readthrough; plus strand), TECTA (tectorin alpha; plus strand). Cytogenetic location: 11q23.3.
Variant type: single nucleotide variant.
Coding change: c.2029T>C on transcript NM_005422.4 (MANE Select); coding-DNA position 2029, T replaced by C.
Protein change: p.Cys677Arg; replaces cysteine 677 with arginine.
Molecular consequence: missense variant.
Genome position (GRCh38, 1-based): chr11:121,128,006, T>C. VCF-style: chr11-121128006-T-C. GRCh37 (hg19) VCF-style: chr11-120998715-T-C.
Other names: c.2986T>C, p.Cys996Arg (NM_001378761.1); short protein forms C677R, C996R.
Identifiers: ClinVar variation 4527121 (VCV004527121.2).